The following is an entry in ClinVar:

ClinVar aggregate classification (germline): Pathogenic. Review status: criteria provided, multiple submitters, no conflicts (2 of 4 stars). 5 submissions from 5 submitters: Pathogenic (4). 1 of the submissions does not count toward it. Last evaluated 2025-02-14.

Conditions:
DNAH11-related disorder. Also called: DNAH11-related condition.
Primary ciliary dyskinesia. Also called: Ciliary dyskinesia. Identifiers: Orphanet 244, MedGen C0008780, MONDO:0016575, HP:0012265.
Primary ciliary dyskinesia 7. Also called: CILIARY DYSKINESIA, PRIMARY, 7, WITH OR WITHOUT SITUS INVERSUS. Identifiers: Orphanet 244, MedGen C2678473, MONDO:0012748, OMIM 611884.

Allele frequency attached by ClinVar (database versions not stated): ESP Exome Variant Server 0.00008.

Submissions (5):

Broad Center for Mendelian Genomics, Broad Institute of MIT and Harvard
Classification: Pathogenic for Primary ciliary dyskinesia 7. Last evaluated: 2025-02-14. Review status: criteria provided, single submitter. Criteria: ACMG Guidelines, 2015. Collection method: curation. Allele origin: germline. Inheritance: Autosomal recessive inheritance.
Comment: The p.Arg1949Ter variant in DNAH11 has been reported in 2 individuals with primary ciliary dyskinesia (PMID: 31772028, 31650533), and has been identified in 0.009% (4/44884) of East Asian chromosome by the Genome Aggregation Database (gnomAD; dbSNP rs372143147). Although this variant has been seen in the general population in a heterozygous state, its frequency is low enough to be consistent with a recessive carrier frequency. This variant has also been reported in ClinVar (Variation ID: 1750036) and has been interpreted as pathogenic by Ambry Genetics. Of the 2 affected individuals, 1 of those was a homozygote, which increases the likelihood that the p.Arg1949Ter variant is pathogenic (PMID: 31650533). This nonsense variant leads to a premature termination codon at position 1949, which is predicted to lead to a truncated or absent protein. Loss of function of the DNAH11 gene is an established disease mechanism in autosomal recessive primary ciliary dyskinesia. In summary, this variant meets criteria to be classified as pathogenic for autosomal recessive primary ciliary dyskinesia. ACMG/AMP Criteria applied: PVS1, PM2_supporting, PM3_supporting (Richards 2015).

Fulgent Genetics
Classification: Pathogenic for Primary ciliary dyskinesia 7. Last evaluated: 2024-06-04. Review status: criteria provided, single submitter. Criteria: ACMG Guidelines, 2015. Collection method: clinical testing. Allele origin: germline.

Labcorp Genetics (formerly Invitae), Labcorp
Classification: Pathogenic for Primary ciliary dyskinesia. Last evaluated: 2024-04-25. Review status: criteria provided, single submitter. Criteria: Invitae Variant Classification Sherloc (09022015). Collection method: clinical testing. Allele origin: germline.
Comment: This sequence change creates a premature translational stop signal (p.Arg1949*) in the DNAH11 gene. It is expected to result in an absent or disrupted protein product. Loss-of-function variants in DNAH11 are known to be pathogenic (PMID: 18022865, 20513915, 22184204). The frequency data for this variant in the population databases is considered unreliable, as metrics indicate poor data quality at this position in the gnomAD database. This premature translational stop signal has been observed in individual(s) with clinical features of primary ciliary dyskinesia (PMID: 31650533, 31772028). ClinVar contains an entry for this variant (Variation ID: 1750036). For these reasons, this variant has been classified as Pathogenic.

Ambry Genetics
Classification: Pathogenic for Primary ciliary dyskinesia. Last evaluated: 2019-03-18. Review status: criteria provided, single submitter. Criteria: Ambry Variant Classification Scheme 2023. Collection method: clinical testing. Allele origin: germline.
Comment: The p.R1949* pathogenic mutation (also known as c.5845C>T), located in coding exon 34 of the DNAH11 gene, results from a C to T substitution at nucleotide position 5845. This changes the amino acid from an arginine to a stop codon within coding exon 34. This alteration is expected to result in loss of function by premature protein truncation or nonsense-mediated mRNA decay. As such, this alteration is interpreted as a disease-causing mutation.

PreventionGenetics, part of Exact Sciences
Classification: Pathogenic for DNAH11-related condition. Last evaluated: 2024-08-26. Review status: no assertion criteria provided. Collection method: clinical testing. Allele origin: germline. Not counted in ClinVar's aggregate classification.
Comment: The DNAH11 c.5845C>T variant is predicted to result in premature protein termination (p.Arg1949*). This variant has been reported as homozygous and compound heterozygous with another predicted pathogenic DNAH11 variant in individuals with primary ciliary dyskinesia (Table 2, Fassad et al. 2020. PubMed ID: 31650533; Table S3, Blanchon et al. 2019. PubMed ID: 31772028). This variant is reported in 0.00078% of alleles in individuals of European (Non-Finnish) descent in gnomAD. Nonsense variants in DNAH11 are expected to be pathogenic. This variant is interpreted as pathogenic.

Literature cited by the submitters: PubMed 18022865 (cited by Labcorp Genetics (formerly Invitae), Labcorp); PubMed 20513915 (cited by Labcorp Genetics (formerly Invitae), Labcorp); PubMed 22184204 (cited by Labcorp Genetics (formerly Invitae), Labcorp); PubMed 31650533 (cited by Labcorp Genetics (formerly Invitae), Labcorp); PubMed 31772028 (cited by Labcorp Genetics (formerly Invitae), Labcorp).

NM_001277115.2(DNAH11):c.5845C>T (p.Arg1949Ter)

Gene: DNAH11 (dynein axonemal heavy chain 11; plus strand). Cytogenetic location: 7p15.3.
Variant type: single nucleotide variant.
Coding change: c.5845C>T on transcript NM_001277115.2 (MANE Select); coding-DNA position 5845, C replaced by T.
Protein change: p.Arg1949Ter; replaces arginine 1949 with a stop codon.
Molecular consequence: nonsense.
Genome position (GRCh38, 1-based): chr7:21,687,448, C>T. VCF-style: chr7-21687448-C-T. GRCh37 (hg19) VCF-style: chr7-21727066-C-T.
Other names: NM_001277115.2(DNAH11):c.5845C>T; p.Arg1949Ter; short protein forms R1949*.
Identifiers: ClinVar variation 1750036 (VCV001750036.7), dbSNP rs372143147, ClinGen allele CA155116704.